The following is an entry in ClinVar:

ClinVar aggregate classification (germline): Uncertain significance. Review status: criteria provided, multiple submitters, no conflicts (2 of 4 stars). 2 submissions from 2 submitters: Uncertain significance (2). Last evaluated 2024-03-18.

Conditions:
Dilated cardiomyopathy 1HH (CMD1HH). Identifiers: Orphanet 154, MedGen C3151293, MONDO:0013479, OMIM 613881.
Myofibrillar myopathy 6. Identifiers: Orphanet 199340, MedGen C2751831, MONDO:0013061, OMIM 612954.
Cardiovascular phenotype. Identifiers: MedGen CN230736.

Allele frequency attached by ClinVar (database versions not stated): ExAC 0.00002.
gnomAD v4.1: 3 of 1,614,168 alleles (0.00019%); highest among the groups gnomAD compares: East Asian, 0.0045%; 1 homozygote.

Submissions (2):

Labcorp Genetics (formerly Invitae), Labcorp
Classification: Uncertain significance for Dilated cardiomyopathy 1HH; Myofibrillar myopathy 6. Last evaluated: 2024-03-18. Review status: criteria provided, single submitter. Criteria: Invitae Variant Classification Sherloc (09022015). Collection method: clinical testing. Allele origin: germline.
Comment: This sequence change replaces proline, which is neutral and non-polar, with arginine, which is basic and polar, at codon 374 of the BAG3 protein (p.Pro374Arg). This variant is present in population databases (rs770517568, gnomAD 0.01%). This variant has not been reported in the literature in individuals affected with BAG3-related conditions. ClinVar contains an entry for this variant (Variation ID: 1797879). Advanced modeling of protein sequence and biophysical properties (such as structural, functional, and spatial information, amino acid conservation, physicochemical variation, residue mobility, and thermodynamic stability) performed at Invitae indicates that this missense variant is not expected to disrupt BAG3 protein function with a negative predictive value of 80%. In summary, the available evidence is currently insufficient to determine the role of this variant in disease. Therefore, it has been classified as a Variant of Uncertain Significance.

Ambry Genetics
Classification: Uncertain significance for Cardiovascular phenotype. Last evaluated: 2022-09-08. Review status: criteria provided, single submitter. Criteria: Ambry Variant Classification Scheme 2023. Collection method: clinical testing. Allele origin: germline.
Comment: The p.P374R variant (also known as c.1121C>G), located in coding exon 4 of the BAG3 gene, results from a C to G substitution at nucleotide position 1121. The proline at codon 374 is replaced by arginine, an amino acid with dissimilar properties. This amino acid position is conserved. In addition, the in silico prediction for this alteration is inconclusive. Since supporting evidence is limited at this time, the clinical significance of this alteration remains unclear.

NM_004281.4(BAG3):c.1121C>G (p.Pro374Arg)

Gene: BAG3 (BAG cochaperone 3; plus strand). Cytogenetic location: 10q26.11.
Variant type: single nucleotide variant.
Coding change: c.1121C>G on transcript NM_004281.4 (MANE Select); coding-DNA position 1121, C replaced by G.
Protein change: p.Pro374Arg; replaces proline 374 with arginine.
Molecular consequence: missense variant.
Genome position (GRCh38, 1-based): chr10:119,676,675, C>G. VCF-style: chr10-119676675-C-G. GRCh37 (hg19) VCF-style: chr10-121436187-C-G.
Other names: short protein forms P374R.
Identifiers: ClinVar variation 1797879 (VCV001797879.5), dbSNP rs770517568, ClinGen allele CA5716488.
Genomic context (GRCh38, chr10:119,676,675, plus strand): 5'-AGCCCCCACCTCCCTCTGAGAAGGTAGAGGTGAAAGTTCCCCCTGCTCCAGTTCCTTGTC[C>G]TCCTCCCAGCCCTGGCCCTTCTGCTGTCCCCTCTTCCCCCAAGAGTGTGGCTACAGAAGA-3'
Protein context (NP_004272.2, residues 364-384): VKVPPAPVPC[Pro374Arg]PPSPGPSAVP